The following is an entry in ClinVar:

ClinVar aggregate classification (germline): Uncertain significance (1 of 4 stars; one submission).

Conditions:
Hereditary spastic paraplegia 48. Also called: Spastic paraplegia 48; SPASTIC PARAPLEGIA 48, AUTOSOMAL RECESSIVE. Identifiers: Orphanet 306511, MedGen C3150901, MONDO:0013342, OMIM 613647.

Allele frequency attached by ClinVar (database versions not stated): TOPMed below 0.00001; gnomAD exomes 0.00001 and 0.00002; ExAC 0.00006.
gnomAD v4.1: 15 of 1,612,078 alleles (0.00093%); highest among the groups gnomAD compares: East Asian, 0.0089%; no homozygotes.

Submission:

Labcorp Genetics (formerly Invitae), Labcorp
Classification: Uncertain significance for Hereditary spastic paraplegia 48. Last evaluated: 2025-07-09. Review status: criteria provided, single submitter. Criteria: Invitae Variant Classification Sherloc (09022015). Collection method: clinical testing. Allele origin: germline.
Comment: This sequence change replaces leucine, which is neutral and non-polar, with arginine, which is basic and polar, at codon 274 of the AP5Z1 protein (p.Leu274Arg). This variant is present in population databases (rs779893770, gnomAD 0.02%). This variant has not been reported in the literature in individuals affected with AP5Z1-related conditions. ClinVar contains an entry for this variant (Variation ID: 956122). Invitae Evidence Modeling of protein sequence and biophysical properties (such as structural, functional, and spatial information, amino acid conservation, physicochemical variation, residue mobility, and thermodynamic stability) indicates that this missense variant is not expected to disrupt AP5Z1 protein function with a negative predictive value of 80%. In summary, the available evidence is currently insufficient to determine the role of this variant in disease. Therefore, it has been classified as a Variant of Uncertain Significance.

NM_014855.3(AP5Z1):c.821T>G (p.Leu274Arg)

Gene: AP5Z1 (adaptor related protein complex 5 subunit zeta 1; plus strand). Cytogenetic location: 7p22.1.
Variant type: single nucleotide variant.
Coding change: c.821T>G on transcript NM_014855.3 (MANE Select); coding-DNA position 821, T replaced by G.
Protein change: p.Leu274Arg; replaces leucine 274 with arginine.
Molecular consequence: missense variant. On other transcripts: non-coding transcript variant (1).
Genome position (GRCh38, 1-based): chr7:4,784,938, T>G. VCF-style: chr7-4784938-T-G. GRCh37 (hg19) VCF-style: chr7-4824569-T-G.
Other names: c.353T>G, p.Leu118Arg (NM_001364858.1); short protein forms L118R, L274R.
Identifiers: ClinVar variation 956122 (VCV000956122.9), dbSNP rs779893770, ClinGen allele CA4137409.